The following is an entry in ClinVar:

ClinVar aggregate classification (germline): Likely benign. Review status: criteria provided, multiple submitters, no conflicts (2 of 4 stars). 2 submissions from 2 submitters: Likely benign (2). Last evaluated 2024-02-12.

Allele frequency attached by ClinVar (database versions not stated): gnomAD exomes below 0.00001; TOPMed below 0.00001; gnomAD 0.00001; ExAC 0.00002.
gnomAD v4.1: 3 of 1,204,538 alleles (0.00025%); highest among the groups gnomAD compares: East Asian, 0.0089%; no homozygotes.

Submissions (2):

Labcorp Genetics (formerly Invitae), Labcorp
Classification: Likely benign. Last evaluated: 2024-02-12. Review status: criteria provided, single submitter. Criteria: Invitae Variant Classification Sherloc (09022015). Collection method: clinical testing. Allele origin: germline.

CeGaT Center for Human Genetics Tuebingen
Classification: Likely benign. Last evaluated: 2022-11-01. Review status: criteria provided, single submitter. Criteria: CeGaT Center For Human Genetics Tuebingen Variant Classification Criteria Version 2. Collection method: clinical testing. Allele origin: germline. Affected: yes. Observed: 1 variant allele.
Comment: HUWE1: BP4, BP7

NM_031407.7(HUWE1):c.6054T>C (p.Gly2018=)

Gene: HUWE1 (HECT, UBA and WWE domain containing E3 ubiquitin protein ligase 1; minus strand). Cytogenetic location: Xp11.22.
Variant type: single nucleotide variant.
Coding change: c.6054T>C on transcript NM_031407.7 (MANE Select); coding-DNA position 6054, T replaced by C.
Protein change: p.Gly2018=; no amino-acid change (glycine 2018 retained).
Molecular consequence: synonymous variant.
Genome position (GRCh38, 1-based): chrX:53,575,198, A>G on the plus strand (T>C on the coding strand, the complement: HUWE1 is on the minus strand). VCF-style: chrX-53575198-A-G. GRCh37 (hg19) VCF-style: chrX-53602158-A-G.
Identifiers: ClinVar variation 2660625 (VCV002660625.27), dbSNP rs782220991, ClinGen allele CA10422148.
Genomic context (GRCh38, chrX:53,575,198, plus strand): 5'-GAAAAGCAAATCATTACCCTCTCCTTGGGAGGTCCCAGATGCGGAAGTCTCAGTGGAGGC[A>G]CCATCTGCAGCAAAGACCTGACTCTGAAGAAGAAGAAAACTCCTGAGCTATTATGAATTT-3'
Protein context (NP_113584.3, residues 2008-2028): SINSQVFAAD[Gly2018=]ASTETSASGT